The following is an entry in ClinVar:

ClinVar aggregate classification (germline): Uncertain significance. Review status: criteria provided, multiple submitters, no conflicts (2 of 4 stars). 3 submissions from 3 submitters: Uncertain significance (3). Last evaluated 2023-07-27.

Conditions:
Cortical dysplasia-focal epilepsy syndrome (PTHSL1). Also called: Pitt-Hopkins-like syndrome 1. Identifiers: Orphanet 163681, Orphanet 221150, MedGen C2750246, MONDO:0012400, OMIM 610042.

Allele frequency attached by ClinVar (database versions not stated): ExAC 0.00004; gnomAD 0.00004 and 0.00005; ESP Exome Variant Server 0.00008; TOPMed 0.00008.
gnomAD v4.1: 54 of 1,614,014 alleles (0.0033%); highest among the groups gnomAD compares: Middle Eastern, 0.033%; no homozygotes.

Submissions (3):

Women's Health and Genetics/Laboratory Corporation of America, LabCorp
Classification: Uncertain significance. Last evaluated: 2023-07-27. Review status: criteria provided, single submitter. Criteria: LabCorp Variant Classification Summary - May 2015. Collection method: clinical testing. Allele origin: germline.
Comment: Variant summary: CNTNAP2 c.511C>T (p.Arg171Cys) results in a non-conservative amino acid change located in the Coagulation factor 5/8 C-terminal domain of the encoded protein sequence. Five of five in-silico tools predict a damaging effect of the variant on protein function. The variant allele was found at a frequency of 4e-05 in 251440 control chromosomes. This frequency is not significantly higher than estimated for a pathogenic variant in CNTNAP2 causing Pitt-Hopkins-Like Syndrome 1 (4e-05 vs 0.0011), allowing no conclusion about variant significance. c.511C>T has been reported in the literature in one individual affected with childhood apraxia of speech (Worthey_2013). This report does not provide unequivocal conclusions about association of the variant with Pitt-Hopkins-Like Syndrome 1. To our knowledge, no experimental evidence demonstrating an impact on protein function has been reported. The following publication has been ascertained in the context of this evaluation (PMID: 24083349). Two clinical diagnostic laboratories have submitted clinical-significance assessments for this variant to ClinVar after 2014 without evidence for independent evaluation. Both laboratories classified the variant as uncertain significance. Based on the evidence outlined above, the variant was classified as uncertain significance.

Labcorp Genetics (formerly Invitae), Labcorp
Classification: Uncertain significance for Cortical dysplasia-focal epilepsy syndrome. Last evaluated: 2022-08-23. Review status: criteria provided, single submitter. Criteria: Invitae Variant Classification Sherloc (09022015). Collection method: clinical testing. Allele origin: germline.
Comment: This sequence change replaces arginine, which is basic and polar, with cysteine, which is neutral and slightly polar, at codon 171 of the CNTNAP2 protein (p.Arg171Cys). This variant is present in population databases (rs375032955, gnomAD 0.008%). This missense change has been observed in individual(s) with childhood apraxia of speech, intellectual disability, and austism spectrum disorder (PMID: 24083349). ClinVar contains an entry for this variant (Variation ID: 660457). Algorithms developed to predict the effect of missense changes on protein structure and function are either unavailable or do not agree on the potential impact of this missense change (SIFT: "Deleterious"; PolyPhen-2: "Probably Damaging"; Align-GVGD: "Class C0"). In summary, the available evidence is currently insufficient to determine the role of this variant in disease. Therefore, it has been classified as a Variant of Uncertain Significance.

GeneDx
Classification: Uncertain significance. Last evaluated: 2021-09-09. Review status: criteria provided, single submitter. Criteria: GeneDx Variant Classification Process June 2021. Collection method: clinical testing. Allele origin: germline. Affected: yes.
Comment: Not observed at significant frequency in large population cohorts (Lek et al., 2016); In silico analysis supports that this missense variant has a deleterious effect on protein structure/function; This variant is associated with the following publications: (PMID: 24083349)

Literature cited by the submitters: PubMed 24083349 (cited by Women's Health and Genetics/Laboratory Corporation of America, LabCorp and Labcorp Genetics (formerly Invitae), Labcorp).

NM_014141.6(CNTNAP2):c.511C>T (p.Arg171Cys)

Gene: CNTNAP2 (contactin associated protein 2; plus strand). Cytogenetic location: 7q35.
Variant type: single nucleotide variant.
Coding change: c.511C>T on transcript NM_014141.6 (MANE Select); coding-DNA position 511, C replaced by T.
Protein change: p.Arg171Cys; replaces arginine 171 with cysteine.
Molecular consequence: missense variant.
Genome position (GRCh38, 1-based): chr7:147,044,015, C>T. VCF-style: chr7-147044015-C-T. GRCh37 (hg19) VCF-style: chr7-146741107-C-T.
Other names: short protein forms R171C.
Identifiers: ClinVar variation 660457 (VCV000660457.10), dbSNP rs375032955, ClinGen allele CA4545802.
Genomic context (GRCh38, chr7:147,044,015, plus strand): 5'-CAGCATCCGATTATTGCCCGCTATGTGCGCATAGTGCCTCTGGATTGGAATGGAGAAGGT[C>T]GCATTGGACTCAGAATTGAAGTTTATGGCTGTTCTTACTGTGAGTATCGTATTGTTTAAA-3'
Protein context (NP_054860.1, residues 161-181): IVPLDWNGEG[Arg171Cys]IGLRIEVYGC